The following is an entry in ClinVar:

NM_203447.4(DOCK8):c.2933C>A (p.Thr978Lys)

Gene: DOCK8 (dedicator of cytokinesis 8; plus strand). Cytogenetic location: 9p24.3.
Variant type: single nucleotide variant.
Coding change: c.2933C>A on transcript NM_203447.4 (MANE Select); coding-DNA position 2933, C replaced by A.
Protein change: p.Thr978Lys; replaces threonine 978 with lysine.
Molecular consequence: missense variant.
Genome position (GRCh38, 1-based): chr9:390,529, C>A. VCF-style: chr9-390529-C-A. GRCh37 (hg19) VCF-style: chr9-390529-C-A.
Other names: c.2633C>A, p.Thr878Lys (NM_001190458.2); c.2729C>A, p.Thr910Lys (NM_001193536.2); short protein forms T910K, T978K, T878K.
Identifiers: ClinVar variation 1364386 (VCV001364386.8), dbSNP rs2131353540, ClinGen allele CA372751135.
Genomic context (GRCh38, chr9:390,529, plus strand): 5'-AGCATTTCCATGAGGAGCTTGCCCTTCAGATGGTGGTCAGCACCGGAATGGTGAGAGAAA[C>A]AGTCTTCAAGTATGCCTGGTTCTTCTTTGAGCTTCTGGTGAGATTCTTGCGCGTTTGTAT-3'
Protein context (NP_982272.2, residues 968-988): MVVSTGMVRE[Thr978Lys]VFKYAWFFFE

ClinVar aggregate classification (germline): Uncertain significance (1 of 4 stars; one submission).

Conditions:
Combined immunodeficiency due to DOCK8 deficiency (HIES2). Also called: Hyper-IgE recurrent infection syndrome, autosomal recessive; HIES autosomal recessive; DOCK8 Deficiency; HYPER-IgE RECURRENT INFECTION SYNDROME 2, AUTOSOMAL RECESSIVE; HYPER-IgE SYNDROME 2, AUTOSOMAL RECESSIVE, WITH RECURRENT INFECTIONS. Identifiers: Orphanet 217390, MedGen C4722305, MONDO:0009478, OMIM 243700.

Submission:

Labcorp Genetics (formerly Invitae), Labcorp
Classification: Uncertain significance for Combined immunodeficiency due to DOCK8 deficiency. Last evaluated: 2021-07-01. Review status: criteria provided, single submitter. Criteria: Invitae Variant Classification Sherloc (09022015). Collection method: clinical testing. Allele origin: germline.
Comment: This sequence change replaces threonine with lysine at codon 978 of the DOCK8 protein (p.Thr978Lys). The threonine residue is moderately conserved and there is a moderate physicochemical difference between threonine and lysine. This variant is not present in population databases (ExAC no frequency). This variant has not been reported in the literature in individuals with DOCK8-related conditions. Algorithms developed to predict the effect of missense changes on protein structure and function (SIFT, PolyPhen-2, Align-GVGD) all suggest that this variant is likely to be tolerated, but these predictions have not been confirmed by published functional studies and their clinical significance is uncertain. In summary, the available evidence is currently insufficient to determine the role of this variant in disease. Therefore, it has been classified as a Variant of Uncertain Significance.